The following is an entry in ClinVar:

ClinVar aggregate classification (germline): Uncertain significance (1 of 4 stars; one submission).

Allele frequency attached by ClinVar (database versions not stated): gnomAD 0.00001; TOPMed below 0.00001.
gnomAD v4.1: 2 of 1,613,456 alleles (0.00012%); highest among the groups gnomAD compares: African/African-American, 0.0013%; no homozygotes.

Submission:

GeneDx
Classification: Uncertain significance. Last evaluated: 2023-11-06. Review status: criteria provided, single submitter. Criteria: GeneDx Variant Classification Process June 2021. Collection method: clinical testing. Allele origin: germline.
Comment: Not observed at significant frequency in large population cohorts (gnomAD); In silico analysis supports that this missense variant has a deleterious effect on protein structure/function; Has not been previously published as pathogenic or benign to our knowledge

NM_002971.6(SATB1):c.273C>G (p.Cys91Trp)

Gene: SATB1 (SATB homeobox 1; minus strand). Cytogenetic location: 3p24.3.
Variant type: single nucleotide variant.
Coding change: c.273C>G on transcript NM_002971.6 (MANE Select); coding-DNA position 273, C replaced by G.
Protein change: p.Cys91Trp; replaces cysteine 91 with tryptophan.
Molecular consequence: missense variant.
Genome position (GRCh38, 1-based): chr3:18,417,017, G>C on the plus strand (C>G on the coding strand, the complement: SATB1 is on the minus strand). VCF-style: chr3-18417017-G-C. GRCh37 (hg19) VCF-style: chr3-18458509-G-C.
Other names: c.273C>G, p.Cys91Trp (NM_001131010.4, NM_001195470.3, NM_001322871.2 and 4 more transcripts); c.57C>G, p.Cys19Trp (NM_001322876.2); short protein forms C19W, C91W.
Identifiers: ClinVar variation 1706288 (VCV001706288.3), dbSNP rs777511572, ClinGen allele CA351861808.